The following is an entry in ClinVar:

ClinVar aggregate classification (germline): Benign/Likely benign. Review status: criteria provided, multiple submitters, no conflicts (2 of 4 stars). 7 submissions from 7 submitters: Benign (3); Likely benign (3). 1 of the submissions does not count toward it. Last evaluated 2026-07-01.

Conditions:
Hereditary cancer-predisposing syndrome. Also called: Neoplastic Syndromes, Hereditary; Tumor predisposition; Hereditary Cancer Syndrome; Hereditary neoplastic syndrome. Identifiers: Orphanet 140162, MedGen C0027672, MeSH D009386, MONDO:0015356.
Nijmegen breakage syndrome-like disorder (NBSLD). Also called: MICROCEPHALY AND SPONTANEOUS CHROMOSOME INSTABILITY WITHOUT IMMUNODEFICIENCY; NBS-LIKE DISORDER; RAD50 DEFICIENCY. Identifiers: Orphanet 240760, MedGen C2751318, MONDO:0013118, OMIM 613078.

Allele frequency attached by ClinVar (database versions not stated): gnomAD exomes 0.00014 and 0.00046; ExAC 0.00059; gnomAD 0.00178 and 0.00189; TOPMed 0.00184; 1000 Genomes Project 0.00240; 1000 Genomes Project 30x 0.00250; ESP Exome Variant Server 0.00269.
gnomAD v4.1: 485 of 1,610,600 alleles (0.03%); highest among the groups gnomAD compares: African/African-American, 0.6%; 2 homozygotes.

Submissions (8):

CeGaT Center for Human Genetics Tuebingen
Classification: Likely benign. Last evaluated: 2026-07-01. Review status: criteria provided, single submitter. Criteria: CeGaT Center For Human Genetics Tuebingen Variant Classification Criteria Version 2. Collection method: clinical testing. Allele origin: germline. Affected: yes. Observed: 1 variant allele.
Comment: RAD50: BP4

Labcorp Genetics (formerly Invitae), Labcorp
Classification: Benign for Hereditary cancer-predisposing syndrome. Last evaluated: 2026-01-05. Review status: criteria provided, single submitter. Criteria: Invitae Variant Classification Sherloc (09022015). Collection method: clinical testing. Allele origin: germline.

Quest Diagnostics Nichols Institute San Juan Capistrano
Classification: Benign. Last evaluated: 2025-08-25. Review status: criteria provided, single submitter. Criteria: Quest Diagnostics criteria. Collection method: clinical testing. Allele origin: unknown.

Blueprint Genetics
Classification: Likely benign. Last evaluated: 2024-06-11. Review status: criteria provided, single submitter. Criteria: ACMG Guidelines, 2015. Collection method: clinical testing. Allele origin: germline.

Sema4
Classification: Likely benign for Nijmegen breakage syndrome-like disorder. Last evaluated: 2021-04-01. Review status: criteria provided, single submitter. Criteria: Sema4 Curation Guidelines. Collection method: curation. Allele origin: germline.

Women's Health and Genetics/Laboratory Corporation of America, LabCorp
Classification: Benign. Last evaluated: 2019-03-08. Review status: criteria provided, single submitter. Criteria: LabCorp Variant Classification Summary - May 2015. Collection method: clinical testing. Allele origin: germline.
Comment: Variant summary: RAD50 c.3165-8T>G alters a non-conserved nucleotide located close to a canonical splice site and therefore could affect mRNA splicing, leading to a significantly altered protein sequence. 5/5 computational tools predict no significant impact on normal splicing. However, these predictions have yet to be confirmed by functional studies. The variant allele was found at a frequency of 0.00056 in 276852 control chromosomes (gnomAD). The observed variant frequency is approximately 9 fold of the estimated maximal expected allele frequency for a pathogenic variant in RAD50 causing Hereditary Breast and Ovarian Cancer phenotype (6.3e-05), strongly suggesting that the variant is benign. To our knowledge, no occurrence of c.3165-8T>G in individuals affected with Hereditary Breast and Ovarian Cancer and no experimental evidence demonstrating its impact on protein function have been reported. Two clinical diagnostic laboratories have submitted clinical-significance assessments for this variant to ClinVar after 2014 without evidence for independent evaluation. All laboratories classified the variant as benign/likely benign. Based on the evidence outlined above, the variant was classified as benign.

Counsyl
Classification: Likely benign for Nijmegen breakage syndrome-like disorder. Last evaluated: 2018-04-12. Review status: no assertion criteria provided. Collection method: clinical testing. Allele origin: unknown. Not counted in ClinVar's aggregate classification.

Dr. Peter K. Rogan Lab, Western University
No classification provided (evidence only). Condition: Sarcoma. Review status: no classification provided. Collection method: in vitro. Allele origin: not applicable. Functional consequence: retained intron. Not counted in ClinVar's aggregate classification.

Literature cited by the submitters: PubMed 24894818 (cited by Quest Diagnostics Nichols Institute San Juan Capistrano and Counsyl).

NM_005732.4(RAD50):c.3165-8T>G

Gene: RAD50 (RAD50 double strand break repair protein; plus strand). Cytogenetic location: 5q31.1.
Variant type: single nucleotide variant.
Coding change: c.3165-8T>G on transcript NM_005732.4 (MANE Select); 8 bases into the intron before coding-DNA position 3165, T replaced by G.
Molecular consequence: intron variant.
Genome position (GRCh38, 1-based): chr5:132,618,062, T>G. VCF-style: chr5-132618062-T-G. GRCh37 (hg19) VCF-style: chr5-131953754-T-G.
Identifiers: ClinVar variation 215509 (VCV000215509.21), dbSNP rs369581851, ClinGen allele CA336532.